The following is an entry in ClinVar:

NM_001014342.3(FLG2):c.5478C>T (p.His1826=)

Genes: CCDST (cervical cancer associated DHX9 suppressive transcript; plus strand), FLG2 (filaggrin 2; minus strand). Cytogenetic location: 1q21.3.
Variant type: single nucleotide variant.
Coding change: c.5478C>T on transcript NM_001014342.3 (MANE Select); coding-DNA position 5478, C replaced by T.
Protein change: p.His1826=; no amino-acid change (histidine 1826 retained).
Molecular consequence: synonymous variant.
Genome position (GRCh38, 1-based): chr1:152,352,308, G>A on the plus strand (C>T on the coding strand, the complement: FLG2 is on the minus strand). VCF-style: chr1-152352308-G-A. GRCh37 (hg19) VCF-style: chr1-152324784-G-A.
Identifiers: ClinVar variation 3027219 (VCV003027219.22), dbSNP rs557753791, ClinGen allele CA1108512.

ClinVar aggregate classification (germline): Likely benign (1 of 4 stars; one submission).

Allele frequency attached by ClinVar (database versions not stated): ExAC 0.00002; 1000 Genomes Project 30x 0.00016; 1000 Genomes Project 0.00020.

Submission:

CeGaT Center for Human Genetics Tuebingen
Classification: Likely benign. Last evaluated: 2024-02-01. Review status: criteria provided, single submitter. Criteria: CeGaT Center For Human Genetics Tuebingen Variant Classification Criteria Version 2. Collection method: clinical testing. Allele origin: germline. Affected: yes. Observed: 1 variant allele.
Comment: FLG2: BP4, BP7